The following is an entry in ClinVar:

ClinVar aggregate classification (germline): Uncertain significance (1 of 4 stars; one submission).

Conditions:
Immunodeficiency 67. Also called: Immunodeficiency due to interleukin-1 receptor-associated kinase-4 deficiency. Identifiers: Orphanet 70592, MedGen C1843256, MONDO:0011888, OMIM 607676.

Allele frequency attached by ClinVar (database versions not stated): gnomAD exomes below 0.00001; TOPMed below 0.00001; gnomAD 0.00001.
gnomAD v4.1: 8 of 1,613,562 alleles (0.0005%); highest among the groups gnomAD compares: Non-Finnish European, 0.00051%; no homozygotes.

Submission:

Labcorp Genetics (formerly Invitae), Labcorp
Classification: Uncertain significance for Immunodeficiency 67. Last evaluated: 2020-08-14. Review status: criteria provided, single submitter. Criteria: Invitae Variant Classification Sherloc (09022015). Collection method: clinical testing. Allele origin: germline.
Comment: This variant is not present in population databases (ExAC no frequency). This variant has not been reported in the literature in individuals with IRAK4-related disease. Algorithms developed to predict the effect of missense changes on protein structure and function output the following: SIFT: "Tolerated"; PolyPhen-2: "Benign"; Align-GVGD: "Class C0". The serine amino acid residue is found in multiple mammalian species, suggesting that this missense change does not adversely affect protein function. These predictions have not been confirmed by published functional studies and their clinical significance is uncertain. In summary, the available evidence is currently insufficient to determine the role of this variant in disease. Therefore, it has been classified as a Variant of Uncertain Significance. This sequence change replaces proline with serine at codon 126 of the IRAK4 protein (p.Pro126Ser). The proline residue is highly conserved and there is a moderate physicochemical difference between proline and serine.

NM_016123.4(IRAK4):c.376C>T (p.Pro126Ser)

Gene: IRAK4 (interleukin 1 receptor associated kinase 4; plus strand). Cytogenetic location: 12q12.
Variant type: single nucleotide variant.
Coding change: c.376C>T on transcript NM_016123.4 (MANE Select); coding-DNA position 376, C replaced by T.
Protein change: p.Pro126Ser; replaces proline 126 with serine.
Molecular consequence: missense variant. On other transcripts: 5 prime UTR variant (2).
Genome position (GRCh38, 1-based): chr12:43,772,248, C>T. VCF-style: chr12-43772248-C-T. GRCh37 (hg19) VCF-style: chr12-44166051-C-T.
Other names: c.376C>T, p.Pro126Ser (NM_001114182.3, NM_001351345.2); c.4C>T, p.Pro2Ser (NM_001145256.2, NM_001145257.2, NM_001145258.2 and 5 more transcripts); c.-148C>T (NM_001351343.2, NM_001351344.2); short protein forms P126S, P2S.
Identifiers: ClinVar variation 577357 (VCV000577357.9), dbSNP rs1379851408, ClinGen allele CA384468999.
Genomic context (GRCh38, chr12:43,772,248, plus strand): 5'-CCCAAAACTGCTAATACACTACCTTCTAAAGAAGCTATAACAGTTCAGCAAAAACAGATG[C>T]CTTTCTGTGACAAAGACAGGACATTGATGACACCTGTGCAGAATCTTGAACAAAGCTATA-3'
Protein context (NP_057207.2, residues 116-136): EAITVQQKQM[Pro126Ser]FCDKDRTLMT